The following is an entry in ClinVar:

NM_006206.6(PDGFRA):c.50-5T>G

Gene: PDGFRA (platelet derived growth factor receptor alpha; plus strand). Cytogenetic location: 4q12.
Variant type: single nucleotide variant.
Coding change: c.50-5T>G on transcript NM_006206.6 (MANE Select); 5 bases into the intron before coding-DNA position 50, T replaced by G.
Molecular consequence: intron variant.
Genome position (GRCh38, 1-based): chr4:54,261,090, T>G. VCF-style: chr4-54261090-T-G. GRCh37 (hg19) VCF-style: chr4-55127257-T-G.
Other names: c.125-5T>G (NM_001347828.2); c.50-5T>G (NM_001347827.2, NM_001347829.2); c.89-5T>G (NM_001347830.2).
Identifiers: ClinVar variation 3656907 (VCV003656907.2).

ClinVar aggregate classification (germline): Uncertain significance (1 of 4 stars; one submission).

Conditions:
Gastrointestinal stromal tumor. Also called: Gastrointestinal stromal tumor, somatic; Gastrointestinal stroma tumor. Identifiers: Orphanet 44890, MedGen C0238198, MeSH D046152, MONDO:0011719, OMIM 606764, HP:0100723.

Submission:

Labcorp Genetics (formerly Invitae), Labcorp
Classification: Uncertain significance for Gastrointestinal stromal tumor. Last evaluated: 2024-06-18. Review status: criteria provided, single submitter. Criteria: Invitae Variant Classification Sherloc (09022015). Collection method: clinical testing. Allele origin: germline.
Comment: This sequence change falls in intron 2 of the PDGFRA gene. It does not directly change the encoded amino acid sequence of the PDGFRA protein. This variant is not present in population databases (gnomAD no frequency). This variant has not been reported in the literature in individuals affected with PDGFRA-related conditions. Algorithms developed to predict the effect of sequence changes on RNA splicing suggest that this variant may disrupt the consensus splice site. In summary, the available evidence is currently insufficient to determine the role of this variant in disease. Therefore, it has been classified as a Variant of Uncertain Significance.